The following is an entry in ClinVar:

NM_000518.5(HBB):c.-1C>T

Genes: HBB (hemoglobin subunit beta; minus strand), LOC106099062 (HBB recombination region; plus strand), LOC107133510 (origin of replication at HBB; plus strand). Cytogenetic location: 11p15.4.
Variant type: single nucleotide variant.
Coding change: c.-1C>T on transcript NM_000518.5 (MANE Select); 1 bases upstream of the start codon, C replaced by T.
Molecular consequence: 5 prime UTR variant.
Genome position (GRCh38, 1-based): chr11:5,227,022, G>A on the plus strand (C>T on the coding strand, the complement: HBB is on the minus strand). VCF-style: chr11-5227022-G-A. GRCh37 (hg19) VCF-style: chr11-5248252-G-A.
Identifiers: ClinVar variation 3364255 (VCV003364255.1).
Genomic context (GRCh38, chr11:5,227,022, plus strand): 5'-GTTCACCTTGCCCCACAGGGCAGTAACGGCAGACTTCTCCTCAGGAGTCAGATGCACCAT[G>A]GTGTCTGTTTGAGGTTGCTAGTGAACACAGTTGTGTCAGAAGCAAATGTAAGCAATAGAT-3'

ClinVar aggregate classification (germline): Uncertain significance (1 of 4 stars; one submission).

gnomAD v4.1: 2 of 1,592,178 alleles (0.00013%); highest among the groups gnomAD compares: South Asian, 0.0022%; no homozygotes.

Submission:

GeneDx
Classification: Uncertain significance. Last evaluated: 2023-12-01. Review status: criteria provided, single submitter. Criteria: GeneDx Variant Classification Process June 2021. Collection method: clinical testing. Allele origin: germline. Affected: yes.
Comment: Regulatory variant with an unclear effect on protein function; Not observed at significant frequency in large population cohorts (gnomAD); Has not been previously published as pathogenic or benign to our knowledge